The following is an entry in ClinVar:

ClinVar aggregate classification (germline): Uncertain significance. Review status: reviewed by expert panel (3 of 4 stars). 5 submissions from 5 submitters: Uncertain significance (1). 4 of the submissions do not count toward it. Last evaluated 2023-02-26.

Conditions:
Hereditary cancer-predisposing syndrome. Also called: Tumor predisposition; Hereditary neoplastic syndrome; Neoplastic Syndromes, Hereditary; Hereditary Cancer Syndrome. Identifiers: Orphanet 140162, MedGen C0027672, MeSH D009386, MONDO:0015356.
Familial adenomatous polyposis 1 (FAP1). Also called: FAMILIAL ADENOMATOUS POLYPOSIS 1, ATTENUATED; POLYPOSIS, ADENOMATOUS INTESTINAL. Identifiers: MedGen C2713442, MONDO:0021056, OMIM 175100. Disease mechanism: loss of function.

Submissions (5):

ClinGen InSiGHT Hereditary Colorectal Cancer/Polyposis Variant Curation Expert Panel
Classification: Uncertain significance for Familial adenomatous polyposis 1. Last evaluated: 2023-02-26. Review status: reviewed by expert panel. Criteria: ClinGen InSiGHT HCCP VCEP ACMG Specifications APC V1. Collection method: curation. Allele origin: germline. Inheritance: Autosomal dominant inheritance.
Comment: The c.6796_6810del variant is predicted to cause a change in the length of the protein due to an in-frame deletion of 5 amino acids (p.Thr2266_Ser2270del). This variant has been observed in 3 heterozygous individuals over the age of 50 with no features of FAP or family history of FAP, which is worth 3 healthy individual points (BS2_Supporting; Invitae internal data). This variant is absent from gnomAD v2.1.1 (PM2_Supporting). Due to insufficient evidence, this variant is classified as a Variant of Uncertain Significance (VUS) for FAP based on the ACMG/AMP criteria applied, as specified by the ClinGen InSiGHT Hereditary Colorectal Cancer/Polyposis Variant Curation Expert Panel: BS2_Supporting and PM2_Supporting (VCEP specifications version 1; date of approval: 12/12/2022).

Labcorp Genetics (formerly Invitae), Labcorp
Classification: Uncertain significance for Familial adenomatous polyposis 1. Last evaluated: 2024-03-06. Review status: criteria provided, single submitter. Criteria: Invitae Variant Classification Sherloc (09022015). Collection method: clinical testing. Allele origin: germline. Not counted in ClinVar's aggregate classification.
Comment: This variant, c.6796_6810del, results in the deletion of 5 amino acid(s) of the APC protein (p.Thr2266_Ser2270del), but otherwise preserves the integrity of the reading frame. This variant is not present in population databases (gnomAD no frequency). This variant has not been reported in the literature in individuals affected with APC-related conditions. ClinVar contains an entry for this variant (Variation ID: 371858). Experimental studies and prediction algorithms are not available or were not evaluated, and the functional significance of this variant is currently unknown. In summary, the available evidence is currently insufficient to determine the role of this variant in disease. Therefore, it has been classified as a Variant of Uncertain Significance.

Ambry Genetics
Classification: Uncertain significance for Hereditary cancer-predisposing syndrome. Last evaluated: 2023-09-02. Review status: criteria provided, single submitter. Criteria: Ambry Variant Classification Scheme 2023. Collection method: clinical testing. Allele origin: germline. Not counted in ClinVar's aggregate classification.
Comment: The c.6796_6810del15 variant (also known as p.T2266_S2270del) is located in coding exon 15 of the APC gene. This variant results from an in-frame deletion of 15 nucleotides at nucleotide positions 6796 to 6810. This results in the in-frame deletion of 5 amino acids at codons 2266 to 2270. This amino acid region is not well conserved in available vertebrate species. In addition, the in silico prediction for this alteration is inconclusive (Choi Y et al. PLoS ONE. 2012; 7(10):e46688). Since supporting evidence is limited at this time, the clinical significance of this alteration remains unclear.

Myriad Genetics, Inc.
Classification: Uncertain significance for Familial adenomatous polyposis 1. Last evaluated: 2023-02-14. Review status: criteria provided, single submitter. Criteria: Myriad Autosomal Dominant, Autosomal Recessive and X-Linked Classification Criteria (2023). Collection method: clinical testing. Allele origin: unknown. Not counted in ClinVar's aggregate classification.
Comment: This variant is classified as a variant of uncertain significance as there is insufficient evidence to determine its impact on protein function and/or cancer risk.

Counsyl
Classification: Uncertain significance for Familial adenomatous polyposis 1. Last evaluated: 2016-05-23. Review status: no assertion criteria provided. Collection method: clinical testing. Allele origin: unknown. Not counted in ClinVar's aggregate classification.

NM_000038.6(APC):c.6796_6810del (p.Thr2266_Ser2270del)

Gene: APC (APC regulator of Wnt signaling pathway; plus strand). Cytogenetic location: 5q22.2.
Variant type: Deletion.
Coding change: c.6796_6810del on transcript NM_000038.6 (MANE Select); coding-DNA positions 6796 to 6810, 15 bases deleted (ACAGCCACCACTTCT).
Protein change: p.Thr2266_Ser2270del.
Molecular consequence: inframe deletion.
Genome position (GRCh38, 1-based): chr5:112,842,390-112,842,404, ACAGCCACCACTTCT deleted. VCF-style (leftmost placement, unchanged base first): chr5-112842389-AACAGCCACCACTTCT-A. GRCh37 (hg19) VCF-style: chr5-112178086-AACAGCCACCACTTCT-A.
Other names: NM_000038.6(APC):c.6796_6810del; p.Thr2266_Ser2270del; c.6796_6810del, p.Thr2266_Ser2270del (NM_001127510.3, NM_001354895.2); c.6742_6756del, p.Thr2248_Ser2252del (NM_001127511.3); c.6850_6864del, p.Thr2284_Ser2288del (NM_001354896.2); c.6826_6840del, p.Thr2276_Ser2280del (NM_001354897.2); c.6721_6735del, p.Thr2241_Ser2245del (NM_001354898.2); c.6712_6726del, p.Thr2238_Ser2242del (NM_001354899.2); and 7 more.
Identifiers: ClinVar variation 371858 (VCV000371858.14), dbSNP rs1057517569, ClinGen allele CA16042098.